The following is an entry in ClinVar:

NM_001130144.3(LTBP3):c.242G>C (p.Arg81Pro)

Gene: LTBP3 (latent transforming growth factor beta binding protein 3; minus strand). Cytogenetic location: 11q13.1.
Variant type: single nucleotide variant.
Coding change: c.242G>C on transcript NM_001130144.3 (MANE Select); coding-DNA position 242, G replaced by C.
Protein change: p.Arg81Pro; replaces arginine 81 with proline.
Molecular consequence: missense variant. On other transcripts: 5 prime UTR variant (1).
Genome position (GRCh38, 1-based): chr11:65,557,718, C>G on the plus strand (G>C on the coding strand, the complement: LTBP3 is on the minus strand). VCF-style: chr11-65557718-C-G. GRCh37 (hg19) VCF-style: chr11-65325189-C-G.
Other names: c.-106G>C (NM_001164266.1); c.242G>C, p.Arg81Pro (NM_021070.4); short protein forms R81P.
Identifiers: ClinVar variation 3541065 (VCV003541065.1).

ClinVar aggregate classification (germline): Uncertain significance (1 of 4 stars; one submission).

Conditions:
Inborn genetic diseases. Identifiers: MedGen C0950123, MeSH D030342.

Submission:

Ambry Genetics
Classification: Uncertain significance for Inborn genetic diseases. Last evaluated: 2024-06-28. Review status: criteria provided, single submitter. Criteria: Ambry Variant Classification Scheme 2023. Collection method: clinical testing. Allele origin: germline.
Comment: The p.R81P variant (also known as c.242G>C), located in coding exon 1 of the LTBP3 gene, results from a G to C substitution at nucleotide position 242. The arginine at codon 81 is replaced by proline, an amino acid with dissimilar properties. This amino acid position is conserved. In addition, the in silico prediction for this alteration is inconclusive. Based on the available evidence, the clinical significance of this variant remains unclear.